The following is an entry in ClinVar:

NM_024642.5(GALNT12):c.760T>G (p.Cys254Gly)

Gene: GALNT12 (polypeptide N-acetylgalactosaminyltransferase 12; plus strand). Cytogenetic location: 9q22.33.
Variant type: single nucleotide variant.
Coding change: c.760T>G on transcript NM_024642.5 (MANE Select); coding-DNA position 760, T replaced by G.
Protein change: p.Cys254Gly; replaces cysteine 254 with glycine.
Molecular consequence: missense variant.
Genome position (GRCh38, 1-based): chr9:98,831,800, T>G. VCF-style: chr9-98831800-T-G. GRCh37 (hg19) VCF-style: chr9-101594082-T-G.
Other names: short protein forms C254G.
Identifiers: ClinVar variation 3852685 (VCV003852685.1).

ClinVar aggregate classification (germline): Uncertain significance (1 of 4 stars; one submission).

Submission:

Ambry Genetics
Classification: Uncertain significance. Last evaluated: 2025-03-14. Review status: criteria provided, single submitter. Criteria: Ambry Variant Classification Scheme 2023. Collection method: clinical testing. Allele origin: germline.
Comment: The p.C254G variant (also known as c.760T>G), located in coding exon 4 of the GALNT12 gene, results from a T to G substitution at nucleotide position 760. The cysteine at codon 254 is replaced by glycine, an amino acid with highly dissimilar properties. This amino acid position is conserved. In addition, this alteration is predicted to be deleterious by in silico analysis. Based on the available evidence, the clinical significance of this variant remains unclear.